The following is an entry in ClinVar:

NM_001048174.2(MUTYH):c.749T>A (p.Phe250Tyr)

Gene: MUTYH (mutY DNA glycosylase; minus strand). Cytogenetic location: 1p34.1.
Variant type: single nucleotide variant.
Coding change: c.749T>A on transcript NM_001048174.2 (MANE Select); coding-DNA position 749, T replaced by A.
Protein change: p.Phe250Tyr; replaces phenylalanine 250 with tyrosine.
Molecular consequence: missense variant. On other transcripts: non-coding transcript variant (7).
Genome position (GRCh38, 1-based): chr1:45,332,266, A>T on the plus strand (T>A on the coding strand, the complement: MUTYH is on the minus strand). VCF-style: chr1-45332266-A-T. GRCh37 (hg19) VCF-style: chr1-45797938-A-T.
Other names: c.749T>A, p.Phe250Tyr (NM_001048171.2, NM_001048173.2, NM_001407081.1 and 6 more transcripts); c.752T>A, p.Phe251Tyr (NM_001048172.2, NM_001407078.1, NM_001407086.1 and 1 more transcripts); c.833T>A, p.Phe278Tyr (NM_001128425.2); c.794T>A, p.Phe265Tyr (NM_001293190.2); c.782T>A, p.Phe261Tyr (NM_001293191.2, NM_001407077.1, NM_001407069.1); c.473T>A, p.Phe158Tyr (NM_001293192.2, NM_001407091.1, NM_001293196.2); c.710T>A, p.Phe237Tyr (NM_001407079.1); c.707T>A, p.Phe236Tyr (NM_001407080.1); and 5 more; short protein forms F236Y, F257Y, F278Y, F135Y, F251Y, F261Y, F264Y, F275Y.
Identifiers: ClinVar variation 4113860 (VCV004113860.1).

ClinVar aggregate classification (germline): Uncertain significance (1 of 4 stars; one submission).

Conditions:
Hereditary cancer-predisposing syndrome. Also called: Hereditary neoplastic syndrome; Neoplastic Syndromes, Hereditary; Tumor predisposition; Hereditary Cancer Syndrome. Identifiers: Orphanet 140162, MedGen C0027672, MeSH D009386, MONDO:0015356.

Submission:

Ambry Genetics
Classification: Uncertain significance for Hereditary cancer-predisposing syndrome. Last evaluated: 2025-08-27. Review status: criteria provided, single submitter. Criteria: Ambry Variant Classification Scheme 2023. Collection method: clinical testing. Allele origin: germline.
Comment: The p.F278Y variant (also known as c.833T>A), located in coding exon 10 of the MUTYH gene, results from a T to A substitution at nucleotide position 833. The phenylalanine at codon 278 is replaced by tyrosine, an amino acid with highly similar properties. This amino acid position is conserved. In addition, this alteration is predicted to be deleterious by in silico analysis. Based on the available evidence, the clinical significance of this variant remains unclear.